The following is an entry in ClinVar:

NM_001256545.2(MEGF10):c.2482T>A (p.Cys828Ser)

Gene: MEGF10 (multiple EGF like domains 10; plus strand). Cytogenetic location: 5q23.2.
Variant type: single nucleotide variant.
Coding change: c.2482T>A on transcript NM_001256545.2 (MANE Select); coding-DNA position 2482, T replaced by A.
Protein change: p.Cys828Ser; replaces cysteine 828 with serine.
Molecular consequence: missense variant.
Genome position (GRCh38, 1-based): chr5:127,443,117, T>A. VCF-style: chr5-127443117-T-A. GRCh37 (hg19) VCF-style: chr5-126778809-T-A.
Other names: c.2482T>A, p.Cys828Ser (NM_032446.3); short protein forms C828S.
Identifiers: ClinVar variation 2199064 (VCV002199064.2), dbSNP rs775422847, ClinGen allele CA3391937.
Genomic context (GRCh38, chr5:127,443,117, plus strand): 5'-TCCACCTGCGACCACATCACTGGGACCTGTTACTGCAGCCCCGGATGGAAGGGAGCGAGA[T>A]GTGATCAAGGTAAATATACTAGCTAATGTTTGTAGCACTGCAGTATTGTGTGAACACCAT-3'
Protein context (NP_001243474.1, residues 818-838): YCSPGWKGAR[Cys828Ser]DQAGVIIVGN

ClinVar aggregate classification (germline): Uncertain significance (1 of 4 stars; one submission).

Conditions:
MEGF10-related myopathy (CMYO10A). Also called: Congenital myopathy 10A, severe variant. Identifiers: Orphanet 439212, MedGen C3280679, MONDO:0013731, OMIM 614399.

Allele frequency attached by ClinVar (database versions not stated): ExAC 0.00001; gnomAD 0.00001; gnomAD exomes 0.00001; TOPMed 0.00001.
gnomAD v4.1: 18 of 1,613,092 alleles (0.0011%); highest among the groups gnomAD compares: Non-Finnish European, 0.0015%; no homozygotes.

Submission:

Labcorp Genetics (formerly Invitae), Labcorp
Classification: Uncertain significance for MEGF10-related myopathy. Last evaluated: 2022-06-16. Review status: criteria provided, single submitter. Criteria: Invitae Variant Classification Sherloc (09022015). Collection method: clinical testing. Allele origin: germline.
Comment: In summary, the available evidence is currently insufficient to determine the role of this variant in disease. Therefore, it has been classified as a Variant of Uncertain Significance. Algorithms developed to predict the effect of missense changes on protein structure and function are either unavailable or do not agree on the potential impact of this missense change (SIFT: "Tolerated"; PolyPhen-2: "Probably Damaging"; Align-GVGD: "Class C0"). This variant has not been reported in the literature in individuals affected with MEGF10-related conditions. This variant is present in population databases (rs775422847, gnomAD 0.0009%). This sequence change replaces cysteine, which is neutral and slightly polar, with serine, which is neutral and polar, at codon 828 of the MEGF10 protein (p.Cys828Ser).